The following is an entry in ClinVar:

NM_004415.4(DSP):c.1223A>G (p.Asn408Ser)

Gene: DSP (desmoplakin; plus strand). Cytogenetic location: 6p24.3.
Variant type: single nucleotide variant.
Coding change: c.1223A>G on transcript NM_004415.4 (MANE Select); coding-DNA position 1223, A replaced by G.
Protein change: p.Asn408Ser; replaces asparagine 408 with serine.
Molecular consequence: missense variant.
Genome position (GRCh38, 1-based): chr6:7,567,863, A>G. VCF-style: chr6-7567863-A-G. GRCh37 (hg19) VCF-style: chr6-7568096-A-G.
Other names: c.1223A>G, p.Asn408Ser (NM_001008844.3, NM_001319034.2, NM_001406591.1); short protein forms N408S.
Identifiers: ClinVar variation 3071251 (VCV003071251.2), dbSNP rs2533881852, ClinGen allele CA362676175.

ClinVar aggregate classification (germline): Uncertain significance. Review status: criteria provided, multiple submitters, no conflicts (2 of 4 stars). 2 submissions from 2 submitters: Uncertain significance (2). Last evaluated 2023-07-20.

Conditions:
Arrhythmogenic cardiomyopathy with wooly hair and keratoderma. Also called: PALMOPLANTAR KERATODERMA WITH LEFT VENTRICULAR CARDIOMYOPATHY AND WOOLLY HAIR; Carvajal syndrome; Dilated cardiomyopathy with woolly hair and keratoderma; Arrhythmogenic cardiomyopathy with woolly hair and keratoderma. Identifiers: Orphanet 65282, MedGen C1854063, MONDO:0011581, OMIM 605676.

Submissions (2):

GeneDx
Classification: Uncertain significance. Last evaluated: 2023-07-20. Review status: criteria provided, single submitter. Criteria: GeneDx Variant Classification Process June 2021. Collection method: clinical testing. Allele origin: germline. Affected: yes.
Comment: Not observed at significant frequency in large population cohorts (gnomAD); In silico analysis supports that this missense variant does not alter protein structure/function; Has not been previously published as pathogenic or benign to our knowledge

All of Us Research Program, National Institutes of Health
Classification: Uncertain significance for Arrhythmogenic cardiomyopathy with wooly hair and keratoderma. Last evaluated: 2023-05-16. Review status: criteria provided, single submitter. Criteria: ACMG Guidelines, 2015. Collection method: clinical testing. Allele origin: germline. Inheritance: Autosomal dominant inheritance. Observed: 1 variant allele, 1 heterozygote.
Comment: This missense variant replaces asparagine with serine at codon 408 of the DSP protein. Computational prediction suggests that this variant may not impact protein structure and function (internally defined REVEL score threshold <= 0.5, PMID: 27666373). To our knowledge, functional studies have not been reported for this variant. This variant has not been reported in individuals affected with DSP-related disorders in the literature. This variant has not been identified in the general population by the Genome Aggregation Database (gnomAD). The available evidence is insufficient to determine the role of this variant in disease conclusively. Therefore, this variant is classified as a Variant of Uncertain Significance.

This study involves interpretation of variants in research participants for the purpose of population health screening. Participant phenotype was not available at the time of variant classification. Additional details can be found in publication PMID: 35346344, PMCID: PMC8962531